The following is an entry in ClinVar:

NM_013372.7(GREM1):c.216G>C (p.Glu72Asp)

Gene: GREM1 (gremlin 1, DAN family BMP antagonist; plus strand). Cytogenetic location: 15q13.3.
Variant type: single nucleotide variant.
Coding change: c.216G>C on transcript NM_013372.7 (MANE Select); coding-DNA position 216, G replaced by C.
Protein change: p.Glu72Asp; replaces glutamic acid 72 with aspartic acid.
Molecular consequence: missense variant. On other transcripts: intron variant (2).
Genome position (GRCh38, 1-based): chr15:32,730,906, G>C. VCF-style: chr15-32730906-G-C. GRCh37 (hg19) VCF-style: chr15-33023107-G-C.
Other names: c.216G>C, p.Glu72Asp (NM_001368719.1); c.115-22G>C (NM_001191323.2); c.28-22G>C (NM_001191322.2); short protein forms E72D.
Identifiers: ClinVar variation 3282666 (VCV003282666.1).
Genomic context (GRCh38, chr15:32,730,906, plus strand): 5'-GCCTGGCTCCAGGAACCGGGGGCGGGGCCAAGGGCGGGGCACTGCCATGCCCGGGGAGGA[G>C]GTGCTGGAGTCCAGCCAAGAGGCCCTGCATGTGACGGAGCGCAAATACCTGAAGCGAGAC-3'
Protein context (NP_037504.1, residues 62-82): QGRGTAMPGE[Glu72Asp]VLESSQEALH

ClinVar aggregate classification (germline): Uncertain significance (1 of 4 stars; one submission).

Conditions:
Hereditary cancer-predisposing syndrome. Also called: Tumor predisposition; Hereditary Cancer Syndrome; Hereditary neoplastic syndrome; Neoplastic Syndromes, Hereditary. Identifiers: Orphanet 140162, MedGen C0027672, MeSH D009386, MONDO:0015356.

Submission:

Ambry Genetics
Classification: Uncertain significance for Hereditary cancer-predisposing syndrome. Last evaluated: 2024-05-24. Review status: criteria provided, single submitter. Criteria: Ambry Variant Classification Scheme 2023. Collection method: clinical testing. Allele origin: germline.
Comment: The p.E72D variant (also known as c.216G>C), located in coding exon 1 of the GREM1 gene, results from a G to C substitution at nucleotide position 216. The glutamic acid at codon 72 is replaced by aspartic acid, an amino acid with highly similar properties. This amino acid position is conserved. In addition, this alteration is predicted to be tolerated by in silico analysis. Based on the available evidence, the clinical significance of this variant remains unclear.